The following is an entry in ClinVar:

NM_000531.6(OTC):c.214G>A (p.Glu72Lys)

Gene: OTC (ornithine transcarbamylase; plus strand). Cytogenetic location: Xp11.4.
Variant type: single nucleotide variant.
Coding change: c.214G>A on transcript NM_000531.6 (MANE Select); coding-DNA position 214, G replaced by A.
Protein change: p.Glu72Lys; replaces glutamic acid 72 with lysine.
Molecular consequence: missense variant.
Genome position (GRCh38, 1-based): chrX:38,367,427, G>A. VCF-style: chrX-38367427-G-A. GRCh37 (hg19) VCF-style: chrX-38226680-G-A.
Other names: short protein forms E72K.
Identifiers: ClinVar variation 870324 (VCV000870324.2), dbSNP rs2068302412, ClinGen allele CA412716495.

ClinVar aggregate classification (germline): Pathogenic (0 of 4 stars; one submission).

Conditions:
Ornithine carbamoyltransferase deficiency (OTCD). Also called: OTC DEFICIENCY; Ornithine Carbamoyltransferase Deficiency Disease; ORNITHINE TRANSCARBAMYLASE DEFICIENCY; ORNITHINE TRANSCARBAMYLASE DEFICIENCY, HYPERAMMONEMIA DUE TO. Identifiers: Orphanet 664, MedGen C0268542, MONDO:0010703, OMIM 311250.

Submission:

Molecular Genetics laboratory, Necker Hospital
Classification: Pathogenic for Ornithine carbamoyltransferase deficiency. Review status: no assertion criteria provided. Collection method: clinical testing. Allele origin: maternal. Affected: yes.